The following is an entry in ClinVar:

NM_001377.3(DYNC2H1):c.11903C>G (p.Ser3968Cys)

Gene: DYNC2H1 (dynein cytoplasmic 2 heavy chain 1; plus strand). Cytogenetic location: 11q22.3.
Variant type: single nucleotide variant.
Coding change: c.11903C>G on transcript NM_001377.3 (MANE Select); coding-DNA position 11903, C replaced by G.
Protein change: p.Ser3968Cys; replaces serine 3968 with cysteine.
Molecular consequence: missense variant.
Genome position (GRCh38, 1-based): chr11:103,321,206, C>G. VCF-style: chr11-103321206-C-G. GRCh37 (hg19) VCF-style: chr11-103191935-C-G.
Other names: c.11924C>G (NM_001080463.1); c.11924C>G, p.Ser3975Cys (NM_001080463.2); short protein forms S3975C, S3968C.
Identifiers: ClinVar variation 1520330 (VCV001520330.4), dbSNP rs1335936507, ClinGen allele CA382269264.

ClinVar aggregate classification (germline): Uncertain significance. Review status: criteria provided, multiple submitters, no conflicts (2 of 4 stars). 2 submissions from 2 submitters: Uncertain significance (2). Last evaluated 2024-07-09.

Conditions:
Jeune thoracic dystrophy. Also called: Jeune syndrome; Infantile thoracic dystrophy; Thoracic pelvic phalangeal dystrophy; Jeune's syndrome; Chondroectodermal dysplasia-like syndrome; Short-rib thoracic dysplasia. Identifiers: Orphanet 474, MedGen C0265275, MONDO:0018770.
Inborn genetic diseases. Identifiers: MedGen C0950123, MeSH D030342.

gnomAD v4.1: 8 of 1,609,988 alleles (0.0005%); highest among the groups gnomAD compares: Admixed American, 0.0084%; no homozygotes.

Submissions (2):

Ambry Genetics
Classification: Uncertain significance for Inborn genetic diseases. Last evaluated: 2024-07-09. Review status: criteria provided, single submitter. Criteria: Ambry Variant Classification Scheme 2023. Collection method: clinical testing. Allele origin: germline.

Labcorp Genetics (formerly Invitae), Labcorp
Classification: Uncertain significance for Jeune thoracic dystrophy. Last evaluated: 2021-11-04. Review status: criteria provided, single submitter. Criteria: Invitae Variant Classification Sherloc (09022015). Collection method: clinical testing. Allele origin: germline.
Comment: This sequence change replaces serine, which is neutral and polar, with cysteine, which is neutral and slightly polar, at codon 3975 of the DYNC2H1 protein (p.Ser3975Cys). This variant is not present in population databases (gnomAD no frequency). This variant has not been reported in the literature in individuals affected with DYNC2H1-related conditions. Advanced modeling of protein sequence and biophysical properties (such as structural, functional, and spatial information, amino acid conservation, physicochemical variation, residue mobility, and thermodynamic stability) performed at Invitae indicates that this missense variant is not expected to disrupt DYNC2H1 protein function. In summary, the available evidence is currently insufficient to determine the role of this variant in disease. Therefore, it has been classified as a Variant of Uncertain Significance.